The following is an entry in ClinVar:

ClinVar aggregate classification (germline): Likely pathogenic (1 of 4 stars; one submission).

Conditions:
Deficiency of transaldolase. Also called: EYAID SYNDROME. Identifiers: Orphanet 101028, MedGen C1291329, MONDO:0011624, OMIM 606003.

gnomAD v4.1: 4 of 1,614,038 alleles (0.00025%); highest among the groups gnomAD compares: South Asian, 0.0011%; no homozygotes.

Submission:

3billion
Classification: Likely pathogenic for Deficiency of transaldolase. Last evaluated: 2025-05-22. Review status: criteria provided, single submitter. Criteria: ACMG Guidelines, 2015. Collection method: clinical testing. Allele origin: germline. Affected: yes.
Comment: The variant is observed at an extremely low frequency in the gnomAD v4.1.0 dataset (total allele frequency: <0.001%). Predicted Consequence/Location: Stop-gained (nonsense): predicted to result in a loss or disruption of normal protein function through nonsense-mediated decay (NMD) or protein truncation. Multiple pathogenic variants are reported downstream of the variant. Therefore, this variant is classified as Likely pathogenic according to the recommendation of ACMG/AMP guideline.

NM_006755.2(TALDO1):c.676A>T (p.Lys226Ter)

Genes: TALDO1 (transaldolase 1; plus strand), LOC126861110 (CDK7 strongly-dependent group 2 enhancer GRCh37_chr11:762588-763787; plus strand). Cytogenetic location: 11p15.5.
Variant type: single nucleotide variant.
Coding change: c.676A>T on transcript NM_006755.2 (MANE Select); coding-DNA position 676, A replaced by T.
Protein change: p.Lys226Ter; replaces lysine 226 with a stop codon.
Molecular consequence: nonsense.
Genome position (GRCh38, 1-based): chr11:763,785, A>T. VCF-style: chr11-763785-A-T. GRCh37 (hg19) VCF-style: chr11-763785-A-T.
Other names: short protein forms K226*.
Identifiers: ClinVar variation 4854118 (VCV004854118.1).
Genomic context (GRCh38, chr11:763,785, plus strand): 5'-TCACAGCTTGGTCTCTTTCCAGGGGTAAAGAGTGTCACTAAAATCTACAACTACTACAAG[A>T]AGTTTAGCTACAAAACCATTGTCATGGGCGCCTCCTTCCGCAACACGGGCGAGATCAAAG-3'